The following is an entry in ClinVar:

ClinVar aggregate classification (germline): Uncertain significance. Review status: criteria provided, multiple submitters, no conflicts (2 of 4 stars). 2 submissions from 2 submitters: Uncertain significance (2). Last evaluated 2024-10-10.

Conditions:
Polycystic kidney disease, adult type (PKD1). Also called: POLYCYSTIC KIDNEY DISEASE, ADULT, TYPE I; Polycystic Kidney, Autosomal Dominant; POLYCYSTIC KIDNEY DISEASE 1 WITH OR WITHOUT POLYCYSTIC LIVER DISEASE; Polycystic Kidney Disease 1, Autosomal Dominant; Polycystic kidney disease 1; Polycystic kidney disease 1, severe. Identifiers: MedGen C3149841, MONDO:0008263, OMIM 173900.

Submissions (2):

Victorian Clinical Genetics Services, Murdoch Childrens Research Institute
Classification: Uncertain significance for Polycystic kidney disease, adult type. Last evaluated: 2024-10-10. Review status: criteria provided, single submitter. Criteria: ACMG Guidelines, 2015. Collection method: clinical testing. Allele origin: germline. Inheritance: Autosomal dominant inheritance. Affected: yes.
Comment: Based on the classification scheme VCGS_Germline_v1.3.5, this variant is classified as VUS-3A. Following criteria are met: 0102 - Loss of function is a known mechanism of disease in this gene and is associated with polycystic kidney disease 1 (PKD; MIM#173900). (I) 0107 - This gene is associated with autosomal dominant disease. Polycystic kidney disease 1 (MIM#173900) is predominantly caused by monoallelic variants, with rare reports of biallelic variants causing disease (OMIM). (I) 0212 - Non-canonical splice site variant without proven consequence on splicing (no functional evidence available). (SP) 0251 - This variant is heterozygous. (I) 0301 - Variant is absent from gnomAD (v2, v3 and v4). (SP) 0505 - Abnormal splicing is predicted by in silico tools and affected nucleotide is highly conserved. (SP) 0705 - No comparable splice variants have previous evidence for pathogenicity. However, another deletion in the same intron affecting overlapping nucleotides has been reported in a large pedigree with autosomal dominant PKD and was shown to activate a cryptic 3' splice site resulting in a frameshift variant; therefore it was regarded as pathogenic (PMID: 11058904, ADPKD database). (I) 0807 - This variant has no previous evidence of pathogenicity. (I) 0905 - No published segregation evidence has been identified for this variant. (I) 1007 - No published functional evidence has been identified for this variant. (I) 1208 - Inheritance information for this variant is not currently available in this individual. (I) Legend: (SP) - Supporting pathogenic, (I) - Information, (SB) - Supporting benign

Molecular Genetics, Royal Melbourne Hospital
Classification: Uncertain significance for Polycystic kidney disease, adult type. Last evaluated: 2023-03-30. Review status: criteria provided, single submitter. Criteria: ACMG Guidelines, 2015. Collection method: clinical testing. Allele origin: germline. Affected: yes.
Comment: This sequence change deletes 15 bp in the splice region of the acceptor site of intron 45 of PKD1. It is absent in a large population cohort (gnomAD v2.1). The nucleotides in the deleted region are moderately to not conserved (100 vertebrates, UCSC), and multiple lines of computational evidence predict an impact on splicing (HSF, MaxEntScan, NNSplice). The predicted effect is loss of the acceptor splice site and activation of a cryptic acceptor site leading to the in-frame retention of 24 bp (excluding the 15 bp deletion) of intron 45, and the insertion of 8 amino acids in the heterotrimeric G-protein binding sequence in the C-terminal cytoplasmic domain (PMID: 20837139). This variant is not reported in relevant medical literature or in the PKD1 mutation database. Based on the classification scheme RMH ACMG Guidelines v1.1.1, this variant is classified as a VARIANT of UNCERTAIN SIGNIFICANCE. Following criteria are met: PM2, PP3.

Literature cited by the submitters: PubMed 11058904 (cited by Victorian Clinical Genetics Services, Murdoch Childrens Research Institute); PubMed 20837139 (cited by Molecular Genetics, Royal Melbourne Hospital).

NM_001009944.3(PKD1):c.12445-17_12445-3del

Genes: MIR1225 (microRNA 1225; minus strand), PKD1 (polycystin 1, transient receptor potential channel interacting; minus strand). Cytogenetic location: 16p13.3.
Variant type: Deletion.
Coding change: c.12445-17_12445-3del on transcript NM_001009944.3 (MANE Select); 17 bases into the intron before coding-DNA position 12445 through 3 bases into the intron before coding-DNA position 12445, 15 bases deleted (CCCTGTGCCGCCCCC).
Molecular consequence: intron variant. On other transcripts: non-coding transcript variant (1).
Genome position (GRCh38, 1-based): chr16:2,090,197-2,090,211, GGGGGCGGCACAGGG deleted on the plus strand (CCCTGTGCCGCCCCC on the coding strand, the reverse complement: PKD1 is on the minus strand); deleting any 15 consecutive bases within chr16:2,090,197-2,090,212 gives the same sequence; the c. name uses the placement nearest the transcript's 3' end. VCF-style (leftmost placement, unchanged base first): chr16-2090196-TGGGGGCGGCACAGGG-T. GRCh37 (hg19) VCF-style: chr16-2140197-TGGGGGCGGCACAGGG-T.
Other names: c.12442-17_12442-3del (NM_000296.4).
Identifiers: ClinVar variation 1678551 (VCV001678551.6), dbSNP rs2151678927, ClinGen allele CA915940501.